The following is an entry in ClinVar:

NM_004525.3(LRP2):c.13150A>G (p.Met4384Val)

Gene: LRP2 (LDL receptor related protein 2; minus strand). Cytogenetic location: 2q31.1.
Variant type: single nucleotide variant.
Coding change: c.13150A>G on transcript NM_004525.3 (MANE Select); coding-DNA position 13150, A replaced by G.
Protein change: p.Met4384Val; replaces methionine 4384 with valine.
Molecular consequence: missense variant.
Genome position (GRCh38, 1-based): chr2:169,140,504, T>C on the plus strand (A>G on the coding strand, the complement: LRP2 is on the minus strand). VCF-style: chr2-169140504-T-C. GRCh37 (hg19) VCF-style: chr2-169997014-T-C.
Other names: short protein forms M4384V.
Identifiers: ClinVar variation 3359778 (VCV003359778.1).
Genomic context (GRCh38, chr2:169,140,504, plus strand): 5'-TTCAGACTTACTTGCATTTGGGGAGGTCAGTCTCATCAAAATAGCAATTTCCTCCGTGCA[T>C]GCACCTGCATGGGGGGGGCAGGTTGATAGGCAGTTCGATGGCTGCAGGAAGGGAAAGCCA-3'
Protein context (NP_004516.2, residues 4374-4394): PINLPPPCRC[Met4384Val]HGGNCYFDET

ClinVar aggregate classification (germline): Uncertain significance (1 of 4 stars; one submission).

gnomAD v4.1: 1 of 1,614,070 alleles (0.000062%); highest among the groups gnomAD compares: Non-Finnish European, 0.000085%; no homozygotes.

Submission:

GeneDx
Classification: Uncertain significance. Last evaluated: 2023-06-16. Review status: criteria provided, single submitter. Criteria: GeneDx Variant Classification Process June 2021. Collection method: clinical testing. Allele origin: germline. Affected: yes.
Comment: Not observed at significant frequency in large population cohorts (gnomAD); In silico analysis supports that this missense variant does not alter protein structure/function; In silico analysis suggests this variant may impact gene splicing. In the absence of RNA/functional studies, the actual effect of this sequence change is unknown.; Has not been previously published as pathogenic or benign to our knowledge